The following is an entry in ClinVar:

ClinVar aggregate classification (germline): Uncertain significance (1 of 4 stars; one submission).

Conditions:
Periodic fever-infantile enterocolitis-autoinflammatory syndrome. Also called: Autoinflammation with infantile enterocolitis. Identifiers: Orphanet 436166, MedGen C4015067, MONDO:0014472, OMIM 616050.
Familial cold autoinflammatory syndrome 4 (FCAS4). Identifiers: Orphanet 47045, Orphanet 576349, MedGen C4015276, MONDO:0014498, OMIM 616115.

Submission:

Labcorp Genetics (formerly Invitae), Labcorp
Classification: Uncertain significance for Periodic fever-infantile enterocolitis-autoinflammatory syndrome; Familial cold autoinflammatory syndrome 4. Last evaluated: 2024-09-13. Review status: criteria provided, single submitter. Criteria: Invitae Variant Classification Sherloc (09022015). Collection method: clinical testing. Allele origin: germline.
Comment: This variant, c.2375_2377del, results in the deletion of 1 amino acid(s) of the NLRC4 protein (p.Lys792del), but otherwise preserves the integrity of the reading frame. This variant is present in population databases (no rsID available, gnomAD 0.0009%). This variant has not been reported in the literature in individuals affected with NLRC4-related conditions. Experimental studies and prediction algorithms are not available or were not evaluated, and the functional significance of this variant is currently unknown. In summary, the available evidence is currently insufficient to determine the role of this variant in disease. Therefore, it has been classified as a Variant of Uncertain Significance.

NM_001199138.2(NLRC4):c.2372AGA[1] (p.Lys792del)

Gene: NLRC4 (NLR family CARD domain containing 4; minus strand). Cytogenetic location: 2p22.3.
Variant type: Microsatellite.
Coding change: c.2372AGA[1] on transcript NM_001199138.2 (MANE Select); one copy of the 3-base unit AGA starting at c.2372; the reference has two copies in a row; one copy, 3 bases deleted.
Protein change: p.Lys792del; deletes lysine 792.
Molecular consequence: inframe indel (on NM_001302504.2).
Genome position (GRCh38, 1-based): chr2:32,238,276-32,238,278, TCT deleted on the plus strand (AGA on the coding strand, the reverse complement: NLRC4 is on the minus strand); deleting any 3 consecutive bases within chr2:32,238,276-32,238,283 gives the same sequence; the position shown is the placement nearest the transcript's 3' end. VCF-style (leftmost placement, unchanged base first): chr2-32238275-ATCT-A. GRCh37 (hg19) VCF-style: chr2-32463344-ATCT-A.
Other names: c.375_377GAA[1], p.Lys127del (NM_001302504.2); c.2370_2372GAA[1], p.Lys792del (NM_021209.5, NM_001199139.2); short protein forms K127del, K792del.
Identifiers: ClinVar variation 3755830 (VCV003755830.2).
Genomic context (GRCh38, chr2:32,238,275, plus strand): 5'-TTGACTATGTAATCCATTCCCTCTCCAATGTCAGACAAGTGGGTCAAATGAAATAAACAC[ATCT>A]TCTTCAGGTTTTTCAGGCCTTCAGCTGAAAAATGATAGAAAGGAATGCATTAGGATACCA-3'